The following is an entry in ClinVar:

NM_198253.3(TERT):c.761G>C (p.Gly254Ala)

Gene: TERT (telomerase reverse transcriptase; minus strand). Cytogenetic location: 5p15.33.
Variant type: single nucleotide variant.
Coding change: c.761G>C on transcript NM_198253.3 (MANE Select); coding-DNA position 761, G replaced by C.
Protein change: p.Gly254Ala; replaces glycine 254 with alanine.
Molecular consequence: missense variant. On other transcripts: non-coding transcript variant (2).
Genome position (GRCh38, 1-based): chr5:1,294,125, C>G on the plus strand (G>C on the coding strand, the complement: TERT is on the minus strand). VCF-style: chr5-1294125-C-G. GRCh37 (hg19) VCF-style: chr5-1294240-C-G.
Other names: c.761G>C, p.Gly254Ala (NM_001193376.3); c.761G>C (NM_198253.2); short protein forms G254A.
Identifiers: ClinVar variation 1026110 (VCV001026110.10), dbSNP rs1364961973, ClinGen allele CA359056875.

ClinVar aggregate classification (germline): Conflicting classifications of pathogenicity. Review status: criteria provided, conflicting classifications (1 of 4 stars). 2 submissions from 2 submitters: Uncertain significance (1); Likely benign (1). Last evaluated 2024-12-20.

Conditions:
Idiopathic Pulmonary Fibrosis. Also called: Idiopathic fibrosing alveolitis, chronic form; idiopathic fibrosing alveolitis. Identifiers: Orphanet 2032, MedGen C1800706, MeSH D054990, MONDO:0800504.
Dyskeratosis congenita, autosomal dominant 2. Identifiers: MedGen C3151443, MONDO:0013521, OMIM 613989.
Dyskeratosis congenita. Identifiers: Orphanet 1775, MedGen C0265965, MONDO:0015780.

Submissions (2):

Ambry Genetics
Classification: Likely benign for Dyskeratosis congenita. Last evaluated: 2024-12-20. Review status: criteria provided, single submitter. Criteria: Ambry Variant Classification Scheme 2023. Collection method: clinical testing. Allele origin: germline.

Labcorp Genetics (formerly Invitae), Labcorp
Classification: Uncertain significance for Dyskeratosis congenita, autosomal dominant 2; Idiopathic Pulmonary Fibrosis. Last evaluated: 2022-11-23. Review status: criteria provided, single submitter. Criteria: Invitae Variant Classification Sherloc (09022015). Collection method: clinical testing. Allele origin: germline.
Comment: This sequence change replaces glycine, which is neutral and non-polar, with alanine, which is neutral and non-polar, at codon 254 of the TERT protein (p.Gly254Ala). This variant is not present in population databases (gnomAD no frequency). This variant has not been reported in the literature in individuals affected with TERT-related conditions. ClinVar contains an entry for this variant (Variation ID: 1026110). Advanced modeling of protein sequence and biophysical properties (such as structural, functional, and spatial information, amino acid conservation, physicochemical variation, residue mobility, and thermodynamic stability) performed at Invitae indicates that this missense variant is not expected to disrupt TERT protein function. In summary, the available evidence is currently insufficient to determine the role of this variant in disease. Therefore, it has been classified as a Variant of Uncertain Significance.